The following is an entry in ClinVar:

NM_001005242.3(PKP2):c.740G>A (p.Gly247Glu)

Gene: PKP2 (plakophilin 2; minus strand). Cytogenetic location: 12p11.21.
Variant type: single nucleotide variant.
Coding change: c.740G>A on transcript NM_001005242.3 (MANE Select); coding-DNA position 740, G replaced by A.
Protein change: p.Gly247Glu; replaces glycine 247 with glutamic acid.
Molecular consequence: missense variant.
Genome position (GRCh38, 1-based): chr12:32,878,140, C>T on the plus strand (G>A on the coding strand, the complement: PKP2 is on the minus strand). VCF-style: chr12-32878140-C-T. GRCh37 (hg19) VCF-style: chr12-33031074-C-T.
Other names: c.740G>A, p.Gly247Glu (NM_001407155.1, NM_001407156.1, NM_001407157.1 and 2 more transcripts); c.413G>A, p.Gly138Glu (NM_001407158.1, NM_001407159.1, NM_001407160.1 and 1 more transcripts); short protein forms G247E, G138E.
Identifiers: ClinVar variation 3307097 (VCV003307097.1).

ClinVar aggregate classification (germline): Uncertain significance (1 of 4 stars; one submission).

Conditions:
Cardiovascular phenotype. Identifiers: MedGen CN230736.

gnomAD v4.1: 2 of 1,614,238 alleles (0.00012%); highest among the groups gnomAD compares: African/African-American, 0.0013%; no homozygotes.

Submission:

Ambry Genetics
Classification: Uncertain significance for Cardiovascular phenotype. Last evaluated: 2024-04-08. Review status: criteria provided, single submitter. Criteria: Ambry Variant Classification Scheme 2023. Collection method: clinical testing. Allele origin: germline.
Comment: The p.G247E variant (also known as c.740G>A), located in coding exon 3 of the PKP2 gene, results from a G to A substitution at nucleotide position 740. The glycine at codon 247 is replaced by glutamic acid, an amino acid with similar properties. This amino acid position is conserved. In addition, the in silico prediction for this alteration is inconclusive. Based on the available evidence, the clinical significance of this variant remains unclear.